The following is an entry in ClinVar:

NM_014679.5(CEP57):c.896C>G (p.Pro299Arg)

Gene: CEP57 (centrosomal protein 57; plus strand). Cytogenetic location: 11q21.
Variant type: single nucleotide variant.
Coding change: c.896C>G on transcript NM_014679.5 (MANE Select); coding-DNA position 896, C replaced by G.
Protein change: p.Pro299Arg; replaces proline 299 with arginine.
Molecular consequence: missense variant.
Genome position (GRCh38, 1-based): chr11:95,827,796, C>G. VCF-style: chr11-95827796-C-G. GRCh37 (hg19) VCF-style: chr11-95560960-C-G.
Other names: c.869C>G, p.Pro290Arg (NM_001243776.2); c.818C>G, p.Pro273Arg (NM_001243777.2); c.815C>G, p.Pro272Arg (NM_001363604.2); short protein forms P273R, P290R, P272R, P299R.
Identifiers: ClinVar variation 939932 (VCV000939932.11), dbSNP rs776778777, ClinGen allele CA226586165.

ClinVar aggregate classification (germline): Uncertain significance. Review status: criteria provided, multiple submitters, no conflicts (2 of 4 stars). 2 submissions from 2 submitters: Uncertain significance (2). Last evaluated 2024-11-27.

Conditions:
Inborn genetic diseases. Identifiers: MedGen C0950123, MeSH D030342.
Mosaic variegated aneuploidy syndrome 2 (MVA2). Identifiers: Orphanet 1052, MedGen C3279843, MONDO:0013582, OMIM 614114.

Allele frequency attached by ClinVar (database versions not stated): gnomAD 0.00001.

Submissions (2):

Ambry Genetics
Classification: Uncertain significance for Inborn genetic diseases. Last evaluated: 2024-11-27. Review status: criteria provided, single submitter. Criteria: Ambry Variant Classification Scheme 2023. Collection method: clinical testing. Allele origin: germline.
Comment: The p.P299R variant (also known as c.896C>G), located in coding exon 9 of the CEP57 gene, results from a C to G substitution at nucleotide position 896. The proline at codon 299 is replaced by arginine, an amino acid with dissimilar properties. This amino acid position is conserved. In addition, the in silico prediction for this alteration is inconclusive. Based on the available evidence, the clinical significance of this variant remains unclear.

Labcorp Genetics (formerly Invitae), Labcorp
Classification: Uncertain significance for Mosaic variegated aneuploidy syndrome 2. Last evaluated: 2022-07-12. Review status: criteria provided, single submitter. Criteria: Invitae Variant Classification Sherloc (09022015). Collection method: clinical testing. Allele origin: germline.
Comment: In summary, the available evidence is currently insufficient to determine the role of this variant in disease. Therefore, it has been classified as a Variant of Uncertain Significance. Algorithms developed to predict the effect of missense changes on protein structure and function are either unavailable or do not agree on the potential impact of this missense change (SIFT: "Tolerated"; PolyPhen-2: "Probably Damaging"; Align-GVGD: "Class C15"). ClinVar contains an entry for this variant (Variation ID: 939932). This variant has not been reported in the literature in individuals affected with CEP57-related conditions. This variant is present in population databases (no rsID available, gnomAD 0.008%). This sequence change replaces proline, which is neutral and non-polar, with arginine, which is basic and polar, at codon 299 of the CEP57 protein (p.Pro299Arg).